The following is an entry in ClinVar:

ClinVar aggregate classification (germline): Uncertain significance (1 of 4 stars; one submission).

Submission:

Labcorp Genetics (formerly Invitae), Labcorp
Classification: Uncertain significance. Last evaluated: 2024-10-16. Review status: criteria provided, single submitter. Criteria: Invitae Variant Classification Sherloc (09022015). Collection method: clinical testing. Allele origin: germline.
Comment: This sequence change falls in intron 3 of the FAM161A gene. It does not directly change the encoded amino acid sequence of the FAM161A protein. This variant is not present in population databases (gnomAD no frequency). This variant has not been reported in the literature in individuals affected with FAM161A-related conditions. Algorithms developed to predict the effect of sequence changes on RNA splicing suggest that this variant may disrupt the consensus splice site. In summary, the available evidence is currently insufficient to determine the role of this variant in disease. Therefore, it has been classified as a Variant of Uncertain Significance.

NM_001201543.2(FAM161A):c.1584-20C>G

Gene: FAM161A (FAM161 centrosomal protein A; minus strand). Cytogenetic location: 2p15.
Variant type: single nucleotide variant.
Coding change: c.1584-20C>G on transcript NM_001201543.2 (MANE Select); 20 bases into the intron before coding-DNA position 1584, C replaced by G.
Molecular consequence: intron variant.
Genome position (GRCh38, 1-based): chr2:61,838,725, G>C on the plus strand (C>G on the coding strand, the complement: FAM161A is on the minus strand). VCF-style: chr2-61838725-G-C. GRCh37 (hg19) VCF-style: chr2-62065860-G-C.
Other names: c.1583+696C>G (NM_032180.3).
Identifiers: ClinVar variation 3656293 (VCV003656293.2).